The following is an entry in ClinVar:

NM_000553.6(WRN):c.1225del (p.Ser409fs)

Gene: WRN (WRN RecQ like helicase; plus strand). Cytogenetic location: 8p12.
Variant type: Deletion.
Coding change: c.1225del on transcript NM_000553.6 (MANE Select); coding-DNA position 1225, one base deleted (T; older notation c.1225delT).
Protein change: p.Ser409fs; shifts the reading frame from serine 409.
Molecular consequence: frameshift variant.
Genome position (GRCh38, 1-based): chr8:31,081,252, T deleted. VCF-style (leftmost placement, unchanged base first): chr8-31081251-GT-G. GRCh37 (hg19) VCF-style: chr8-30938767-GT-G.
Other names: short protein forms S409fs.
Identifiers: ClinVar variation 2722161 (VCV002722161.3), dbSNP rs2535911476, ClinGen allele CA2697549858.

ClinVar aggregate classification (germline): Pathogenic (1 of 4 stars; one submission).

Conditions:
Werner syndrome (WRN). Identifiers: Orphanet 902, MedGen C0043119, MONDO:0010196, OMIM 277700.

Submission:

Labcorp Genetics (formerly Invitae), Labcorp
Classification: Pathogenic for Werner syndrome. Last evaluated: 2023-05-25. Review status: criteria provided, single submitter. Criteria: Invitae Variant Classification Sherloc (09022015). Collection method: clinical testing. Allele origin: germline.
Comment: This sequence change creates a premature translational stop signal (p.Ser409Leufs*29) in the WRN gene. It is expected to result in an absent or disrupted protein product. Loss-of-function variants in WRN are known to be pathogenic (PMID: 16673358). This variant is not present in population databases (gnomAD no frequency). This variant has not been reported in the literature in individuals affected with WRN-related conditions. For these reasons, this variant has been classified as Pathogenic.

Literature cited by the submitters: PubMed 16673358.